The following is an entry in ClinVar:

NM_032608.7(MYO18B):c.7153C>T (p.Arg2385Trp)

Gene: MYO18B (myosin XVIIIB; plus strand). Cytogenetic location: 22q12.1.
Variant type: single nucleotide variant.
Coding change: c.7153C>T on transcript NM_032608.7 (MANE Select); coding-DNA position 7153, C replaced by T.
Protein change: p.Arg2385Trp; replaces arginine 2385 with tryptophan.
Molecular consequence: missense variant.
Genome position (GRCh38, 1-based): chr22:26,027,127, C>T. VCF-style: chr22-26027127-C-T. GRCh37 (hg19) VCF-style: chr22-26423093-C-T.
Other names: c.7156C>T, p.Arg2386Trp (NM_001318245.2); short protein forms R2386W, R2385W.
Identifiers: ClinVar variation 1464540 (VCV001464540.4), dbSNP rs767625703, ClinGen allele CA10161706.

ClinVar aggregate classification (germline): Uncertain significance (1 of 4 stars; one submission).

Allele frequency attached by ClinVar (database versions not stated): gnomAD 0.00001; TOPMed 0.00001; gnomAD exomes 0.00002 and 0.00003; ExAC 0.00004.
gnomAD v4.1: 48 of 1,613,864 alleles (0.003%); highest among the groups gnomAD compares: Non-Finnish European, 0.0039%; no homozygotes.

Submission:

Labcorp Genetics (formerly Invitae), Labcorp
Classification: Uncertain significance. Last evaluated: 2024-10-18. Review status: criteria provided, single submitter. Criteria: Invitae Variant Classification Sherloc (09022015). Collection method: clinical testing. Allele origin: germline.
Comment: This sequence change replaces arginine with tryptophan at codon 2385 of the MYO18B protein (p.Arg2385Trp). The arginine residue is weakly conserved and there is a moderate physicochemical difference between arginine and tryptophan. This variant is present in population databases (rs767625703, gnomAD 0.004%). This variant has not been reported in the literature in individuals affected with MYO18B-related conditions. ClinVar contains an entry for this variant (Variation ID: 1464540). An algorithm developed to predict the effect of missense changes on protein structure and function (PolyPhen-2) suggests that this variant is likely to be disruptive. In summary, the available evidence is currently insufficient to determine the role of this variant in disease. Therefore, it has been classified as a Variant of Uncertain Significance.